The following is an entry in ClinVar:

NM_000784.4(CYP27A1):c.1494G>C (p.Lys498Asn)

Gene: CYP27A1 (cytochrome P450 family 27 subfamily A member 1; plus strand). Cytogenetic location: 2q35.
Variant type: single nucleotide variant.
Coding change: c.1494G>C on transcript NM_000784.4 (MANE Select); coding-DNA position 1494, G replaced by C.
Protein change: p.Lys498Asn; replaces lysine 498 with asparagine.
Molecular consequence: missense variant.
Genome position (GRCh38, 1-based): chr2:218,814,928, G>C. VCF-style: chr2-218814928-G-C. GRCh37 (hg19) VCF-style: chr2-219679651-G-C.
Other names: short protein forms K498N.
Identifiers: ClinVar variation 502056 (VCV000502056.14), dbSNP rs377290147, ClinGen allele CA2112928.

ClinVar aggregate classification (germline): Uncertain significance. Review status: criteria provided, multiple submitters, no conflicts (2 of 4 stars). 5 submissions from 5 submitters: Uncertain significance (4). 1 of the submissions does not count toward it. Last evaluated 2026-04-30.

Conditions:
CYP27A1-related disorder. Also called: CYP27A1-related condition.
Cholestanol storage disease (CTX). Also called: CTX: Cerebrotendinous xanthomatosis; CEREBRAL CHOLESTERINOSIS; Cerebrotendinous Xanthomatosis. Identifiers: Orphanet 909, MedGen C0238052, MONDO:0008948, OMIM 213700.
Cardiovascular phenotype. Identifiers: MedGen CN230736.

Allele frequency attached by ClinVar (database versions not stated): ExAC 0.00001; gnomAD exomes 0.00001 and 0.00002; TOPMed 0.00001; ESP Exome Variant Server 0.00008.
gnomAD v4.1: 17 of 1,614,250 alleles (0.0011%); highest among the groups gnomAD compares: Middle Eastern, 0.016%; no homozygotes.

Submissions (5):

PreventionGenetics, part of Exact Sciences
Classification: Uncertain significance for CYP27A1-related condition. Last evaluated: 2026-04-30. Review status: criteria provided, single submitter. Criteria: ACMG Guidelines, 2015. Collection method: clinical testing. Allele origin: germline.
Comment: The CYP27A1 c.1494G>C variant is predicted to result in the amino acid substitution p.Lys498Asn. To our knowledge, this variant has not been reported in the literature in individuals with CYP27A1-related disorders. This variant is reported in 0.0035% of alleles in individuals of European (Non-Finnish) descent in gnomAD. At this time, the clinical significance of this variant is uncertain due to the absence of conclusive functional and genetic evidence.

Ambry Genetics
Classification: Uncertain significance for Cardiovascular phenotype. Last evaluated: 2024-05-02. Review status: criteria provided, single submitter. Criteria: Ambry Variant Classification Scheme 2023. Collection method: clinical testing. Allele origin: germline.
Comment: The p.K498N variant (also known as c.1494G>C), located in coding exon 9 of the CYP27A1 gene, results from a G to C substitution at nucleotide position 1494. The lysine at codon 498 is replaced by asparagine, an amino acid with similar properties. This amino acid position is conserved. In addition, this alteration is predicted to be tolerated by in silico analysis. Since supporting evidence is limited at this time, the clinical significance of this alteration remains unclear.

Labcorp Genetics (formerly Invitae), Labcorp
Classification: Uncertain significance for Cholestanol storage disease. Last evaluated: 2022-08-16. Review status: criteria provided, single submitter. Criteria: Invitae Variant Classification Sherloc (09022015). Collection method: clinical testing. Allele origin: germline.
Comment: This sequence change replaces lysine, which is basic and polar, with asparagine, which is neutral and polar, at codon 498 of the CYP27A1 protein (p.Lys498Asn). This variant is present in population databases (rs377290147, gnomAD 0.004%). This variant has not been reported in the literature in individuals affected with CYP27A1-related conditions. ClinVar contains an entry for this variant (Variation ID: 502056). Advanced modeling of protein sequence and biophysical properties (such as structural, functional, and spatial information, amino acid conservation, physicochemical variation, residue mobility, and thermodynamic stability) performed at Invitae indicates that this missense variant is not expected to disrupt CYP27A1 protein function. In summary, the available evidence is currently insufficient to determine the role of this variant in disease. Therefore, it has been classified as a Variant of Uncertain Significance.

Eurofins Ntd Llc (ga)
Classification: Uncertain significance. Last evaluated: 2018-03-14. Review status: criteria provided, single submitter. Criteria: EGL ClinVar v180209 classification definitions. Collection method: clinical testing. Allele origin: germline. Observed: 2 variant alleles, 2 heterozygotes.

Natera, Inc.
Classification: Uncertain significance for Cerebrotendinous xanthomatosis. Last evaluated: 2019-11-11. Review status: no assertion criteria provided. Collection method: clinical testing. Allele origin: germline. Not counted in ClinVar's aggregate classification.